The following is an entry in ClinVar:

NM_015330.6(SPECC1L):c.2396+3A>G

Genes: SPECC1L (sperm antigen with calponin homology and coiled-coil domains 1 like; plus strand), SPECC1L-ADORA2A (SPECC1L-ADORA2A readthrough (NMD candidate); plus strand). Cytogenetic location: 22q11.23.
Variant type: single nucleotide variant.
Coding change: c.2396+3A>G on transcript NM_015330.6 (MANE Select); 3 bases into the intron after coding-DNA position 2396, A replaced by G.
Molecular consequence: intron variant.
Genome position (GRCh38, 1-based): chr22:24,330,434, A>G. VCF-style: chr22-24330434-A-G. GRCh37 (hg19) VCF-style: chr22-24726402-A-G.
Other names: c.2396+3A>G (NM_001145468.4, NM_001254732.3).
Identifiers: ClinVar variation 3233981 (VCV003233981.2), dbSNP rs2517668859, ClinGen allele CA2825002865.
Genomic context (GRCh38, chr22:24,330,434, plus strand): 5'-AGGCTCAAGAAAAAAATGAGAAACTCACAAAAGAATTGGAGGAAATAAAGTCACGCAAGT[A>G]AGTTCTGAGAAACCTGTTGTGTACTTATGTTTCAGTAGAGAACACTTAAATCCCAATTTT-3'

ClinVar aggregate classification (germline): Uncertain significance (1 of 4 stars; one submission).

Submission:

Women's Health and Genetics/Laboratory Corporation of America, LabCorp
Classification: Uncertain significance. Last evaluated: 2024-03-13. Review status: criteria provided, single submitter. Criteria: LabCorp Variant Classification Summary - May 2015. Collection method: clinical testing. Allele origin: germline.
Comment: Variant summary: SPECC1L c.2396+3A>G alters a conserved nucleotide located close to a canonical splice site and therefore could affect mRNA splicing, leading to a significantly altered protein sequence. Consensus agreement among computation tools predict no significant impact on normal splicing. However, these predictions have yet to be confirmed by functional studies. The variant was absent in 251308 control chromosomes (gnomAD). The available data on variant occurrences in the general population are insufficient to allow any conclusion about variant significance. To our knowledge, no occurrence of c.2396+3A>G in individuals affected with Opitz GBBB Syndrome, Type II and no experimental evidence demonstrating its impact on protein function have been reported. No submitters have cited clinical-significance assessments for this variant to ClinVar. Based on the evidence outlined above, the variant was classified as uncertain significance.